The following is an entry in ClinVar:

ClinVar aggregate classification (germline): Uncertain significance (1 of 4 stars; one submission).

Allele frequency attached by ClinVar (database versions not stated): TOPMed below 0.00001; gnomAD 0.00001.
gnomAD v4.1: 3 of 1,613,810 alleles (0.00019%); highest among the groups gnomAD compares: African/African-American, 0.0013%; no homozygotes.

Submission:

Labcorp Genetics (formerly Invitae), Labcorp
Classification: Uncertain significance. Last evaluated: 2023-12-11. Review status: criteria provided, single submitter. Criteria: Invitae Variant Classification Sherloc (09022015). Collection method: clinical testing. Allele origin: germline.
Comment: This sequence change replaces glycine, which is neutral and non-polar, with alanine, which is neutral and non-polar, at codon 1345 of the CACNA1E protein (p.Gly1345Ala). This variant is present in population databases (rs758495194, gnomAD 0.007%). This variant has not been reported in the literature in individuals affected with CACNA1E-related conditions. ClinVar contains an entry for this variant (Variation ID: 1938588). Advanced modeling of protein sequence and biophysical properties (such as structural, functional, and spatial information, amino acid conservation, physicochemical variation, residue mobility, and thermodynamic stability) has been performed at Invitae for this missense variant, however the output from this modeling did not meet the statistical confidence thresholds required to predict the impact of this variant on CACNA1E protein function. In summary, the available evidence is currently insufficient to determine the role of this variant in disease. Therefore, it has been classified as a Variant of Uncertain Significance.

NM_001205293.3(CACNA1E):c.4034G>C (p.Gly1345Ala)

Gene: CACNA1E (calcium voltage-gated channel subunit alpha1 E; plus strand). Cytogenetic location: 1q25.3.
Variant type: single nucleotide variant.
Coding change: c.4034G>C on transcript NM_001205293.3 (MANE Select); coding-DNA position 4034, G replaced by C.
Protein change: p.Gly1345Ala; replaces glycine 1345 with alanine.
Molecular consequence: missense variant.
Genome position (GRCh38, 1-based): chr1:181,756,000, G>C. VCF-style: chr1-181756000-G-C. GRCh37 (hg19) VCF-style: chr1-181725136-G-C.
Other names: c.4034G>C, p.Gly1345Ala (NM_000721.4); c.3977G>C, p.Gly1326Ala (NM_001205294.2); short protein forms G1326A, G1345A.
Identifiers: ClinVar variation 1938588 (VCV001938588.5), dbSNP rs758495194, ClinGen allele CA1275761.